The following is an entry in ClinVar:

ClinVar aggregate classification (germline): Likely benign. Review status: criteria provided, multiple submitters, no conflicts (2 of 4 stars). 4 submissions from 4 submitters: Likely benign (4). Last evaluated 2025-12-31.

Conditions:
Hereditary spastic paraplegia 4. Also called: Familial spastic paraplegia autosomal dominant 2; Spastic paraplegia 4, autosomal dominant; Spastic Paraplegia 4. Identifiers: Orphanet 100985, MedGen C1866855, MONDO:0008438, OMIM 182601.

Allele frequency attached by ClinVar (database versions not stated): TOPMed 0.00002; gnomAD exomes 0.00004; gnomAD 0.00005; ExAC 0.00007.
gnomAD v4.1: 54 of 1,611,782 alleles (0.0034%); highest among the groups gnomAD compares: Non-Finnish European, 0.0044%; no homozygotes.

Submissions (4):

Labcorp Genetics (formerly Invitae), Labcorp
Classification: Likely benign for Hereditary spastic paraplegia 4. Last evaluated: 2025-12-31. Review status: criteria provided, single submitter. Criteria: Invitae Variant Classification Sherloc (09022015). Collection method: clinical testing. Allele origin: germline.

Women's Health and Genetics/Laboratory Corporation of America, LabCorp
Classification: Likely benign. Last evaluated: 2025-05-27. Review status: criteria provided, single submitter. Criteria: LabCorp Variant Classification Summary - May 2015. Collection method: clinical testing. Allele origin: germline.

Blueprint Genetics
Classification: Likely benign. Last evaluated: 2024-02-09. Review status: criteria provided, single submitter. Criteria: ACMG Guidelines, 2015. Collection method: clinical testing. Allele origin: germline.

GeneDx
Classification: Likely benign. Last evaluated: 2017-09-08. Review status: criteria provided, single submitter. Criteria: GeneDx Variant Classification (06012015). Collection method: clinical testing. Allele origin: germline. Affected: yes.
Comment: This variant is considered likely benign or benign based on one or more of the following criteria: it is a conservative change, it occurs at a poorly conserved position in the protein, it is predicted to be benign by multiple in silico algorithms, and/or has population frequency not consistent with disease.

NM_014946.4(SPAST):c.942G>A (p.Leu314=)

Gene: SPAST (spastin; plus strand). Cytogenetic location: 2p22.3.
Variant type: single nucleotide variant.
Coding change: c.942G>A on transcript NM_014946.4 (MANE Select); coding-DNA position 942, G replaced by A.
Protein change: p.Leu314=; no amino-acid change (leucine 314 retained).
Molecular consequence: synonymous variant.
Genome position (GRCh38, 1-based): chr2:32,115,773, G>A. VCF-style: chr2-32115773-G-A. GRCh37 (hg19) VCF-style: chr2-32340842-G-A.
Other names: c.939G>A, p.Leu313= (NM_001363823.2); c.843G>A, p.Leu281= (NM_001363875.2); c.846G>A, p.Leu282= (NM_001377959.1, NM_199436.2).
Identifiers: ClinVar variation 511631 (VCV000511631.10), dbSNP rs776121105, ClinGen allele CA1600747.
Genomic context (GRCh38, chr2:32,115,773, plus strand): 5'-AACAAATAGGACAAATAAACCTTCTACCCCTACAACTGCTACTCGTAAGAAAAAAGACTT[G>A]AAGAATTTTAGGAATGTGGACAGCAACCTTGCTAACCTTATAATGAATGAAATTGTGGAC-3'
Protein context (NP_055761.2, residues 304-324): PTTATRKKKD[Leu314=]KNFRNVDSNL